The following is an entry in ClinVar:

NM_152513.4(MEI1):c.3346-6C>A

Gene: MEI1 (meiotic double-stranded break formation protein 1; plus strand). Cytogenetic location: 22q13.2.
Variant type: single nucleotide variant.
Coding change: c.3346-6C>A on transcript NM_152513.4 (MANE Select); 6 bases into the intron before coding-DNA position 3346, C replaced by A.
Molecular consequence: intron variant.
Genome position (GRCh38, 1-based): chr22:41,793,823, C>A. VCF-style: chr22-41793823-C-A. GRCh37 (hg19) VCF-style: chr22-42189827-C-A.
Identifiers: ClinVar variation 3041195 (VCV003041195.2), dbSNP rs778548678, ClinGen allele CA2577734551.

ClinVar aggregate classification (germline): Likely benign (0 of 4 stars; one submission).

Conditions:
MEI1-related disorder. Also called: MEI1-related condition.

Submission:

PreventionGenetics, part of Exact Sciences
Classification: Likely benign for MEI1-related condition. Last evaluated: 2019-02-22. Review status: no assertion criteria provided. Collection method: clinical testing. Allele origin: germline.
Comment: This variant is classified as likely benign based on ACMG/AMP sequence variant interpretation guidelines (Richards et al. 2015 PMID: 25741868, with internal and published modifications).